The following is an entry in ClinVar:

NM_006445.4(PRPF8):c.3611A>G (p.Tyr1204Cys)

Gene: PRPF8 (pre-mRNA processing factor 8; minus strand). Cytogenetic location: 17p13.3.
Variant type: single nucleotide variant.
Coding change: c.3611A>G on transcript NM_006445.4 (MANE Select); coding-DNA position 3611, A replaced by G.
Protein change: p.Tyr1204Cys; replaces tyrosine 1204 with cysteine.
Molecular consequence: missense variant.
Genome position (GRCh38, 1-based): chr17:1,673,403, T>C on the plus strand (A>G on the coding strand, the complement: PRPF8 is on the minus strand). VCF-style: chr17-1673403-T-C. GRCh37 (hg19) VCF-style: chr17-1576697-T-C.
Other names: c.3611A>G (NM_006445.3); short protein forms Y1204C.
Identifiers: ClinVar variation 1001134 (VCV001001134.8), dbSNP rs558538478, ClinGen allele CA8271848.
Genomic context (GRCh38, chr17:1,673,403, plus strand): 5'-CGCCCAGGCTGTACCTCATTCTGCAGGTTCCAGACCCCGTCCTTGTGGGTGAACTCCTCA[T>C]AGCTGGTGCGGCACTTAGGCAGGATGCGGCACTCGAAGCCACACATGTTGAACAGCAGGT-3'
Protein context (NP_006436.3, residues 1194-1214): CRILPKCRTS[Tyr1204Cys]EEFTHKDGVW

ClinVar aggregate classification (germline): Uncertain significance. Review status: criteria provided, multiple submitters, no conflicts (2 of 4 stars). 3 submissions from 3 submitters: Uncertain significance (3). Last evaluated 2025-04-23.

Conditions:
Inborn genetic diseases. Identifiers: MedGen C0950123, MeSH D030342.

Allele frequency attached by ClinVar (database versions not stated): ExAC 0.00001; gnomAD 0.00002; TOPMed 0.00002; gnomAD exomes 0.00003 and 0.00006.
gnomAD v4.1: 96 of 1,614,012 alleles (0.0059%); highest among the groups gnomAD compares: Non-Finnish European, 0.0078%; no homozygotes.

Submissions (3):

Labcorp Genetics (formerly Invitae), Labcorp
Classification: Uncertain significance. Last evaluated: 2025-04-23. Review status: criteria provided, single submitter. Criteria: Invitae Variant Classification Sherloc (09022015). Collection method: clinical testing. Allele origin: germline.
Comment: This sequence change replaces tyrosine, which is neutral and polar, with cysteine, which is neutral and slightly polar, at codon 1204 of the PRPF8 protein (p.Tyr1204Cys). This variant is present in population databases (rs558538478, gnomAD 0.006%). This variant has not been reported in the literature in individuals affected with PRPF8-related conditions. ClinVar contains an entry for this variant (Variation ID: 1001134). Invitae Evidence Modeling of protein sequence and biophysical properties (such as structural, functional, and spatial information, amino acid conservation, physicochemical variation, residue mobility, and thermodynamic stability) indicates that this missense variant is not expected to disrupt PRPF8 protein function with a negative predictive value of 80%. In summary, the available evidence is currently insufficient to determine the role of this variant in disease. Therefore, it has been classified as a Variant of Uncertain Significance.

Blueprint Genetics
Classification: Uncertain significance. Last evaluated: 2024-04-22. Review status: criteria provided, single submitter. Criteria: ACMG Guidelines, 2015. Collection method: clinical testing. Allele origin: germline.

Ambry Genetics
Classification: Uncertain significance for Inborn genetic diseases. Last evaluated: 2023-04-24. Review status: criteria provided, single submitter. Criteria: Ambry Variant Classification Scheme 2023. Collection method: clinical testing. Allele origin: germline.